The following is an entry in ClinVar:

NM_002769.5(PRSS1):c.80G>A (p.Gly27Asp)

Genes: PRSS1 (serine protease 1; plus strand), TRB (T cell receptor beta locus; plus strand). Cytogenetic location: 7q34.
Variant type: single nucleotide variant.
Coding change: c.80G>A on transcript NM_002769.5 (MANE Select); coding-DNA position 80, G replaced by A.
Protein change: p.Gly27Asp; replaces glycine 27 with aspartic acid.
Molecular consequence: missense variant.
Genome position (GRCh38, 1-based): chr7:142,750,594, G>A. VCF-style: chr7-142750594-G-A. GRCh37 (hg19) VCF-style: chr7-142458445-G-A.
Other names: short protein forms G27D.
Identifiers: ClinVar variation 843019 (VCV000843019.9), dbSNP rs1798618982, ClinGen allele CA369607129.

ClinVar aggregate classification (germline): Uncertain significance (1 of 4 stars; one submission).

Conditions:
Hereditary pancreatitis (PCTT). Also called: PRSS1-Related Hereditary Pancreatitis; Hereditary chronic pancreatitis. Identifiers: Orphanet 676, MedGen C0238339, MONDO:0008185, OMIM 167800.

Allele frequency attached by ClinVar (database versions not stated): gnomAD exomes below 0.00001.

Submission:

Labcorp Genetics (formerly Invitae), Labcorp
Classification: Uncertain significance for Hereditary pancreatitis. Last evaluated: 2019-12-30. Review status: criteria provided, single submitter. Criteria: Invitae Variant Classification Sherloc (09022015). Collection method: clinical testing. Allele origin: germline.
Comment: In summary, the available evidence is currently insufficient to determine the role of this variant in disease. Therefore, it has been classified as a Variant of Uncertain Significance. Algorithms developed to predict the effect of missense changes on protein structure and function (SIFT, PolyPhen-2, Align-GVGD) all suggest that this variant is likely to be disruptive, but these predictions have not been confirmed by published functional studies and their clinical significance is uncertain. This variant has not been reported in the literature in individuals with PRSS1-related conditions. This variant is not present in population databases (ExAC no frequency). This sequence change replaces glycine with aspartic acid at codon 27 of the PRSS1 protein (p.Gly27Asp). The glycine residue is highly conserved and there is a moderate physicochemical difference between glycine and aspartic acid.